The following is an entry in ClinVar:

ClinVar aggregate classification (germline): Likely benign. Review status: criteria provided, multiple submitters, no conflicts (2 of 4 stars). 2 submissions from 2 submitters: Likely benign (2). Last evaluated 2025-12-30.

Conditions:
TET2-related disorder. Also called: TET2-related condition.

Allele frequency attached by ClinVar (database versions not stated): ExAC 0.00019; gnomAD 0.00069; ESP Exome Variant Server 0.00092.
gnomAD v4.1: 189 of 1,613,794 alleles (0.012%); highest among the groups gnomAD compares: African/African-American, 0.24%; 2 homozygotes.

Submissions (2):

Labcorp Genetics (formerly Invitae), Labcorp
Classification: Likely benign. Last evaluated: 2025-12-30. Review status: criteria provided, single submitter. Criteria: Invitae Variant Classification Sherloc (09022015). Collection method: clinical testing. Allele origin: germline.

PreventionGenetics, part of Exact Sciences
Classification: Likely benign for TET2-related condition. Last evaluated: 2025-09-26. Review status: criteria provided, single submitter. Criteria: ACMG Guidelines, 2015. Collection method: clinical testing. Allele origin: germline.
Comment: This variant is classified as likely benign based on ACMG/AMP sequence variant interpretation guidelines (Richards et al. 2015 PMID: 25741868, with internal and published modifications).

NM_001127208.3(TET2):c.22C>G (p.His8Asp)

Genes: TET2 (tet methylcytosine dioxygenase 2; plus strand), TET2-AS1 (TET2 antisense RNA 1; minus strand). Cytogenetic location: 4q24.
Variant type: single nucleotide variant.
Coding change: c.22C>G on transcript NM_001127208.3 (MANE Select); coding-DNA position 22, C replaced by G.
Protein change: p.His8Asp; replaces histidine 8 with aspartic acid.
Molecular consequence: missense variant.
Genome position (GRCh38, 1-based): chr4:105,233,964, C>G. VCF-style: chr4-105233964-C-G. GRCh37 (hg19) VCF-style: chr4-106155121-C-G.
Other names: c.22C>G, p.His8Asp (NM_017628.4); short protein forms H8D.
Identifiers: ClinVar variation 2061159 (VCV002061159.5), dbSNP rs147112198, ClinGen allele CA3031433.